The following is an entry in ClinVar:

ClinVar aggregate classification (germline): Uncertain significance (1 of 4 stars; one submission).

Conditions:
Hereditary spastic paraplegia 45. Also called: Spastic paraplegia 45, autosomal recessive; SPASTIC PARAPLEGIA 45. Identifiers: Orphanet 320396, MedGen C3888209, MONDO:0013165, OMIM 613162.

Submission:

Labcorp Genetics (formerly Invitae), Labcorp
Classification: Uncertain significance for Hereditary spastic paraplegia 45. Last evaluated: 2025-05-30. Review status: criteria provided, single submitter. Criteria: Invitae Variant Classification Sherloc (09022015). Collection method: clinical testing. Allele origin: germline.
Comment: This sequence change replaces glutamine, which is neutral and polar, with glutamic acid, which is acidic and polar, at codon 10 of the NT5C2 protein (p.Gln10Glu). This variant is not present in population databases (gnomAD no frequency). This variant has not been reported in the literature in individuals affected with NT5C2-related conditions. An algorithm developed to predict the effect of missense changes on protein structure and function (PolyPhen-2) suggests that this variant is likely to be tolerated. In summary, the available evidence is currently insufficient to determine the role of this variant in disease. Therefore, it has been classified as a Variant of Uncertain Significance.

NM_001351169.2(NT5C2):c.28C>G (p.Gln10Glu)

Gene: NT5C2 (5'-nucleotidase, cytosolic II; minus strand). Cytogenetic location: 10q24.33.
Variant type: single nucleotide variant.
Coding change: c.28C>G on transcript NM_001351169.2 (MANE Select); coding-DNA position 28, C replaced by G.
Protein change: p.Gln10Glu; replaces glutamine 10 with glutamic acid.
Molecular consequence: missense variant. On other transcripts: 5 prime UTR variant (20).
Genome position (GRCh38, 1-based): chr10:103,174,931, G>C on the plus strand (C>G on the coding strand, the complement: NT5C2 is on the minus strand). VCF-style: chr10-103174931-G-C. GRCh37 (hg19) VCF-style: chr10-104934688-G-C.
Other names: c.28C>G, p.Gln10Glu (NM_001134373.3, NM_001351170.2, NM_001351171.2 and 3 more transcripts); c.-190C>G (NM_001351175.2); c.-533C>G (NM_001351176.2); c.-607C>G (NM_001351177.2, NM_001351197.2); c.-631C>G (NM_001351178.2, NM_001351190.2); c.-799C>G (NM_001351179.2, NM_001351182.2); c.-664C>G (NM_001351180.2); c.-380C>G (NM_001351181.2); and 9 more; short protein forms Q10E.
Identifiers: ClinVar variation 4720298 (VCV004720298.1).